The following is an entry in ClinVar:

ClinVar aggregate classification (germline): Uncertain significance (1 of 4 stars; one submission).

Conditions:
Lowe syndrome (OCRL). Also called: LOWE OCULOCEREBRORENAL SYNDROME; PHOSPHATIDYLINOSITOL 4,5-BISPHOSPHATE 5-PHOSPHATASE DEFICIENCY; Oculocerebrorenal Syndrome. Identifiers: Orphanet 534, MedGen C0028860, MONDO:0010645, OMIM 309000.

gnomAD v4.1: 1 of 1,205,552 alleles (0.000083%); highest among the groups gnomAD compares: South Asian, 0.0018%; no homozygotes.

Submission:

Labcorp Genetics (formerly Invitae), Labcorp
Classification: Uncertain significance for Lowe syndrome. Last evaluated: 2024-04-25. Review status: criteria provided, single submitter. Criteria: Invitae Variant Classification Sherloc (09022015). Collection method: clinical testing. Allele origin: germline.
Comment: This sequence change falls in intron 19 of the OCRL gene. It does not directly change the encoded amino acid sequence of the OCRL protein. It affects a nucleotide within the consensus splice site. This variant is not present in population databases (gnomAD no frequency). This variant has not been reported in the literature in individuals affected with OCRL-related conditions. Variants that disrupt the consensus splice site are a relatively common cause of aberrant splicing (PMID: 17576681, 9536098). Algorithms developed to predict the effect of sequence changes on RNA splicing suggest that this variant may disrupt the consensus splice site. In summary, the available evidence is currently insufficient to determine the role of this variant in disease. Therefore, it has been classified as a Variant of Uncertain Significance.

Literature cited by the submitters: PubMed 17576681; PubMed 9536098.

NM_000276.4(OCRL):c.2139+3A>G

Gene: OCRL (OCRL inositol polyphosphate-5-phosphatase; plus strand). Cytogenetic location: Xq26.1.
Variant type: single nucleotide variant.
Coding change: c.2139+3A>G on transcript NM_000276.4 (MANE Select); 3 bases into the intron after coding-DNA position 2139, A replaced by G.
Molecular consequence: intron variant.
Genome position (GRCh38, 1-based): chrX:129,584,370, A>G. VCF-style: chrX-129584370-A-G. GRCh37 (hg19) VCF-style: chrX-128718347-A-G.
Other names: c.2142+3A>G (NM_001318784.2); c.2116-2632A>G (NM_001587.4).
Identifiers: ClinVar variation 3680020 (VCV003680020.2).